The following is an entry in ClinVar:

NM_000138.5(FBN1):c.4331G>A (p.Cys1444Tyr)

Genes: FBN1 (fibrillin 1; minus strand), LOC126862124 (CDK7 strongly-dependent group 2 enhancer GRCh37_chr15:48764566-48765765; plus strand). Cytogenetic location: 15q21.1.
Variant type: single nucleotide variant.
Coding change: c.4331G>A on transcript NM_000138.5 (MANE Select); coding-DNA position 4331, G replaced by A.
Protein change: p.Cys1444Tyr; replaces cysteine 1444 with tyrosine.
Molecular consequence: missense variant.
Genome position (GRCh38, 1-based): chr15:48,472,556, C>T on the plus strand (G>A on the coding strand, the complement: FBN1 is on the minus strand). VCF-style: chr15-48472556-C-T. GRCh37 (hg19) VCF-style: chr15-48764753-C-T.
Other names: short protein forms C1444Y.
Identifiers: ClinVar variation 263831 (VCV000263831.9), dbSNP rs886038940, ClinGen allele CA10587827.

ClinVar aggregate classification (germline): Pathogenic/Likely pathogenic. Review status: criteria provided, multiple submitters, no conflicts (2 of 4 stars). 4 submissions from 4 submitters: Pathogenic (1); Likely pathogenic (2). 1 of the submissions does not count toward it. Last evaluated 2024-01-17.

Conditions:
Isolated thoracic aortic aneurysm.
Familial thoracic aortic aneurysm and aortic dissection (TAAD). Also called: Thoracic aortic aneurysms and dissections. Identifiers: Orphanet 91387, MedGen C4707243, MONDO:0019625.
Marfan syndrome (MFS). Also called: MARFAN SYNDROME, TYPE I; FBN1-Related Marfan Syndrome; Marfan syndrome, classic; Marfan syndrome type 1; Marfan's syndrome. Identifiers: Orphanet 284963, Orphanet 558, MedGen C0024796, MONDO:0007947, OMIM 154700.

Submissions (4):

Ambry Genetics
Classification: Pathogenic for Familial thoracic aortic aneurysm and aortic dissection. Last evaluated: 2024-01-17. Review status: criteria provided, single submitter. Criteria: Ambry Variant Classification Scheme 2023. Collection method: clinical testing. Allele origin: germline.
Comment: The p.C1444Y pathogenic mutation (also known as c.4331G>A), located in coding exon 34 of the FBN1 gene, results from a G to A substitution at nucleotide position 4331. The cysteine at codon 1444 is replaced by tyrosine, an amino acid with highly dissimilar properties. This alteration has been reported in association with aortopathy (Yang H et al. Sci Rep, 2016 Sep;6:33002; Ambry internal data). This alteration was also reported as de novo in a subject with aortic aneurysm and mitral valve prolapse (Li J et al. Sci China Life Sci, 2019 Dec;62:1630-1637). This alteration has also been noted in a subject with ectopia lentis (Qi M et al. Int Ophthalmol, 2022 Jul;42:2245-2253). Another alteration at the same codon, p.C1444F (c.4331G>T), has been described in association with Marfan syndrome (Takeda N et al. Circ Genom Precis Med, 2018 Jun;11:e002058). Based on internal structural assessment, this alteration eliminates a structurally critical disulfide bond in the structurally sensitive cbEGF-like domain #20. The majority of FBN1 mutations identified to date have involved the substitution or generation of cysteine residues within cbEGF domains (Vollbrandt T et al. J Biol Chem. 2004;279(31):32924-32931). This variant is considered to be rare based on population cohorts in the Genome Aggregation Database (gnomAD). This amino acid position is highly conserved in available vertebrate species. In addition, this alteration is predicted to be deleterious by in silico analysis. Based on the supporting evidence, this alteration is interpreted as a disease-causing mutation.

Department of Vascular Biology, Beijing Anzhen Hospital
Classification: Likely pathogenic for Isolated thoracic aortic aneurysm. Last evaluated: 2018-09-01. Review status: criteria provided, single submitter. Criteria: ACMG Guidelines, 2015. Collection method: research. Allele origin: germline. Affected: yes.

GeneDx
Classification: Likely pathogenic. Last evaluated: 2017-03-28. Review status: criteria provided, single submitter. Criteria: GeneDx Variant Classification (06012015). Collection method: clinical testing. Allele origin: germline. Affected: yes.
Comment: The C1444Y likely pathogenic variant in the FBN1 gene has been previously reported in one individual with aortopathy and/or Marfan syndrome, although no clinical details or segregation data were provided. This variant is not observed in large population cohorts (Lek et al., 2016; 1000 Genomes Consortium et al., 2015; Exome Variant Server). In addition, C1444Y is a non-conservative amino acid substitution, which is likely to impact secondary protein structure as these residues differ in polarity, charge, size and/or other properties. This substitution also occurs at a position that is conserved across species. In silico analysis predicts this variant is probably damaging to the protein structure/function. Furthermore, C1444Y affects a cysteine residue within a calcium-binding EGF-like domain of the FBN1 gene, which may affect disulfide bonding and is predicted to alter the structure and function of the protein. Cysteine substitutions in the calcium-binding EGF-like domains represent the majority of pathogenic missense changes associated with FBN1-related disorders (Collod-Beroud et al., 2003).In summary, C1444Y in the FBN1 gene is interpreted as a likely pathogenic variant.

Center for Medical Genetics Ghent, University of Ghent
Classification: Likely pathogenic for Marfan syndrome. Last evaluated: 2017-11-07. Review status: no assertion criteria provided. Collection method: clinical testing. Allele origin: de novo. Affected: yes. Not counted in ClinVar's aggregate classification.

Literature cited by the submitters: PubMed 27611364 (cited by Ambry Genetics); PubMed 31098894 (cited by Ambry Genetics); PubMed 35612688 (cited by Ambry Genetics).